The following is an entry in ClinVar:

NM_021629.4(GNB4):c.229G>A (p.Gly77Arg)

Gene: GNB4 (G protein subunit beta 4; minus strand). Cytogenetic location: 3q26.33.
Variant type: single nucleotide variant.
Coding change: c.229G>A on transcript NM_021629.4 (MANE Select); coding-DNA position 229, G replaced by A.
Protein change: p.Gly77Arg; replaces glycine 77 with arginine.
Molecular consequence: missense variant.
Genome position (GRCh38, 1-based): chr3:179,416,531, C>T on the plus strand (G>A on the coding strand, the complement: GNB4 is on the minus strand). VCF-style: chr3-179416531-C-T. GRCh37 (hg19) VCF-style: chr3-179134319-C-T.
Other names: short protein forms G77R.
Identifiers: ClinVar variation 488522 (VCV000488522.14), dbSNP rs1553851490, ClinGen allele CA355470461.

ClinVar aggregate classification (germline): Pathogenic. Review status: criteria provided, multiple submitters, no conflicts (2 of 4 stars). 3 submissions from 3 submitters: Pathogenic (3). Last evaluated 2026-10-01.

Conditions:
Charcot-Marie-Tooth disease dominant intermediate F. Identifiers: Orphanet 352670, MedGen C4749463, MONDO:0014074, OMIM 615185.

Submissions (3):

Department of Medical Genetics, School of Basic Medical Sciences, Southern Medical University
Classification: Pathogenic for Charcot-Marie-Tooth disease dominant intermediate F. Last evaluated: 2026-10-01. Review status: criteria provided, single submitter. Criteria: ACMG Guidelines, 2015. Collection method: research. Allele origin: de novo. Inheritance: Autosomal dominant inheritance. Affected: yes. Observed: 1 variant allele, 1 heterozygote.
Comment: The heterozygous missense variant GNB4 c.229G>A (p.Gly77Arg) is classified as Pathogenic for autosomal dominant Charcot-Marie-Tooth disease (CMT) based on the ACMG/AMP 2015 guidelines. Evidence supporting this classification includes: 1. 2. 3. PM1 (Functional domain / hotspot): The variant is located in the WD1 repeat domain at the critical G-alpha interaction interface of GNB4, where pathogenic variants cluster and disrupt G-protein complex assembly. 4. PM2 (Absent from controls): The variant is absent from general population databases (gnomAD v4.1) and was not detected in 200 ethnically matched Chinese healthy controls screened by high-resolution melting (HRM) analysis. 5. PP3 (In silico predictions): Multiple computational prediction algorithms consistently predict a damaging/deleterious effect on protein structure and function (PolyPhen-2: 0.996, SIFT: 0.00, CADD: 34, PROVEAN: -7.064, AlphaMissense: 1.0). 6. PS3_Supporting / Functional evidence: Functional assays in neuronal cells (N2A) demonstrated that the p.Gly77Arg mutant leads to significantly increased GNB4 mRNA and protein expression (~2-fold higher than wild-type, p < 0.0001) and aberrant nuclear subcellular mislocalization, indicating altered G-beta-4 homeostasis and function.

Labcorp Genetics (formerly Invitae), Labcorp
Classification: Pathogenic for Charcot-Marie-Tooth disease dominant intermediate F. Last evaluated: 2024-09-06. Review status: criteria provided, single submitter. Criteria: Invitae Variant Classification Sherloc (09022015). Collection method: clinical testing. Allele origin: germline.
Comment: This sequence change replaces glycine, which is neutral and non-polar, with arginine, which is basic and polar, at codon 77 of the GNB4 protein (p.Gly77Arg). This variant is not present in population databases (gnomAD no frequency). This missense change has been observed in individual(s) with Charcot-Marie-Tooth disease (PMID: 34071515; internal data). In at least one individual the variant was observed to be de novo. ClinVar contains an entry for this variant (Variation ID: 488522). Invitae Evidence Modeling of protein sequence and biophysical properties (such as structural, functional, and spatial information, amino acid conservation, physicochemical variation, residue mobility, and thermodynamic stability) indicates that this missense variant is expected to disrupt GNB4 protein function with a positive predictive value of 80%. Algorithms developed to predict the effect of sequence changes on RNA splicing suggest that this variant may disrupt the consensus splice site. For these reasons, this variant has been classified as Pathogenic.

Institute of Human Genetics Munich, TUM University Hospital
Classification: Pathogenic for Charcot-Marie-Tooth disease dominant intermediate F. Last evaluated: 2017-12-13. Review status: criteria provided, single submitter. Criteria: Classification criteria August 2017. Collection method: clinical testing. Allele origin: de novo. Inheritance: Autosomal dominant inheritance. Affected: yes. Observed: 1 heterozygote.

Literature cited by the submitters: PubMed 34071515 (cited by Department of Medical Genetics, School of Basic Medical Sciences, Southern Medical University and Labcorp Genetics (formerly Invitae), Labcorp); PubMed 41164122 (cited by Department of Medical Genetics, School of Basic Medical Sciences, Southern Medical University).